The following is an entry in ClinVar:

NM_001458.5(FLNC):c.1603T>G (p.Cys535Gly)

Gene: FLNC (filamin C; plus strand). Cytogenetic location: 7q32.1.
Variant type: single nucleotide variant.
Coding change: c.1603T>G on transcript NM_001458.5 (MANE Select); coding-DNA position 1603, T replaced by G.
Protein change: p.Cys535Gly; replaces cysteine 535 with glycine.
Molecular consequence: missense variant.
Genome position (GRCh38, 1-based): chr7:128,840,601, T>G. VCF-style: chr7-128840601-T-G. GRCh37 (hg19) VCF-style: chr7-128480655-T-G.
Other names: c.1603T>G, p.Cys535Gly (NM_001127487.2); short protein forms C535G.
Identifiers: ClinVar variation 959619 (VCV000959619.10), dbSNP rs1808289781, ClinGen allele CA369226594.

ClinVar aggregate classification (germline): Uncertain significance (1 of 4 stars; one submission).

Conditions:
Hypertrophic cardiomyopathy 26. Also called: Cardiomyopathy, familial hypertrophic, 26. Identifiers: Orphanet 75249, MedGen C4310749, MONDO:0014883, OMIM 617047.
Myofibrillar myopathy 5. Also called: FILAMINOPATHY, AUTOSOMAL DOMINANT; Filaminopathy (type). Identifiers: Orphanet 171445, MedGen C1836050, MONDO:0012289, OMIM 609524.
Distal myopathy with posterior leg and anterior hand involvement. Also called: WILLIAMS DISTAL MYOPATHY. Identifiers: Orphanet 63273, MedGen C3279722, MONDO:0013550, OMIM 614065.

Submission:

Labcorp Genetics (formerly Invitae), Labcorp
Classification: Uncertain significance for Distal myopathy with posterior leg and anterior hand involvement; Myofibrillar myopathy 5; Hypertrophic cardiomyopathy 26. Last evaluated: 2019-07-26. Review status: criteria provided, single submitter. Criteria: Invitae Variant Classification Sherloc (09022015). Collection method: clinical testing. Allele origin: germline.
Comment: This sequence change replaces cysteine with glycine at codon 535 of the FLNC protein (p.Cys535Gly). The cysteine residue is moderately conserved and there is a large physicochemical difference between cysteine and glycine. In summary, the available evidence is currently insufficient to determine the role of this variant in disease. Therefore, it has been classified as a Variant of Uncertain Significance. Algorithms developed to predict the effect of missense changes on protein structure and function are either unavailable or do not agree on the potential impact of this missense change (SIFT: "Tolerated"; PolyPhen-2: "Probably Damaging"; Align-GVGD: "Class C0"). This variant has not been reported in the literature in individuals with FLNC-related conditions. This variant is not present in population databases (ExAC no frequency).